The following is an entry in ClinVar:

ClinVar aggregate classification (germline): Benign (1 of 4 stars; one submission).

Conditions:
Posterior column ataxia-retinitis pigmentosa syndrome (RETSNS). Also called: RETINOPATHY-SENSORY NEUROPATHY SYNDROME. Identifiers: Orphanet 88628, MedGen C1836916, MONDO:0012177, OMIM 609033.

Allele frequency attached by ClinVar (database versions not stated): gnomAD exomes 0.00037; gnomAD 0.00554 and 0.00597; 1000 Genomes Project 0.00579; 1000 Genomes Project 30x 0.00593; TOPMed 0.00632.
gnomAD v4.1: 841 of 172,074 alleles (0.49%); highest among the groups gnomAD compares: African/African-American, 1.9%; 9 homozygotes.

Submission:

Illumina Laboratory Services, Illumina
Classification: Benign for Posterior column ataxia-retinitis pigmentosa syndrome. Last evaluated: 2017-04-27. Review status: criteria provided, single submitter. Criteria: ICSL Variant Classification Criteria 13 December 2019. Collection method: clinical testing. Allele origin: germline.
Comment: This variant was observed as part of a predisposition screen in an ostensibly healthy population. A literature search was performed for the gene, cDNA change, and amino acid change (where applicable). No publications were found based on this search. Allele frequency data from public databases was too high to be consistent with this variant causing disease. Therefore, this variant is classified as benign.

NM_014053.4(FLVCR1):c.*500G>A

Gene: FLVCR1 (FLVCR choline and heme transporter 1; plus strand). Cytogenetic location: 1q32.3.
Variant type: single nucleotide variant.
Coding change: c.*500G>A on transcript NM_014053.4 (MANE Select); 500 bases downstream of the stop codon, G replaced by A.
Molecular consequence: 3 prime UTR variant.
Genome position (GRCh38, 1-based): chr1:212,895,790, G>A. VCF-style: chr1-212895790-G-A. GRCh37 (hg19) VCF-style: chr1-213069132-G-A.
Identifiers: ClinVar variation 874875 (VCV000874875.4), dbSNP rs41301023, ClinGen allele CA15090598.